The following is an entry in ClinVar:

ClinVar aggregate classification (germline): Uncertain significance (1 of 4 stars; one submission).

Submission:

Labcorp Genetics (formerly Invitae), Labcorp
Classification: Uncertain significance. Last evaluated: 2022-05-17. Review status: criteria provided, single submitter. Criteria: Invitae Variant Classification Sherloc (09022015). Collection method: clinical testing. Allele origin: germline.
Comment: This sequence change replaces glycine, which is neutral and non-polar, with aspartic acid, which is acidic and polar, at codon 2688 of the SZT2 protein (p.Gly2688Asp). This variant is not present in population databases (gnomAD no frequency). This variant has not been reported in the literature in individuals affected with SZT2-related conditions. Algorithms developed to predict the effect of missense changes on protein structure and function (SIFT, PolyPhen-2, Align-GVGD) all suggest that this variant is likely to be disruptive. In summary, the available evidence is currently insufficient to determine the role of this variant in disease. Therefore, it has been classified as a Variant of Uncertain Significance.

NM_001365999.1(SZT2):c.8234G>A (p.Gly2745Asp)

Gene: SZT2 (SZT2 subunit of KICSTOR complex; plus strand). Cytogenetic location: 1p34.2.
Variant type: single nucleotide variant.
Coding change: c.8234G>A on transcript NM_001365999.1 (MANE Select); coding-DNA position 8234, G replaced by A.
Protein change: p.Gly2745Asp; replaces glycine 2745 with aspartic acid.
Molecular consequence: missense variant.
Genome position (GRCh38, 1-based): chr1:43,442,901, G>A. VCF-style: chr1-43442901-G-A. GRCh37 (hg19) VCF-style: chr1-43908572-G-A.
Other names: c.8063G>A, p.Gly2688Asp (NM_015284.4); short protein forms G2688D, G2745D.
Identifiers: ClinVar variation 2129598 (VCV002129598.4), dbSNP rs2545854879, ClinGen allele CA340038231.